The following is an entry in ClinVar:

ClinVar aggregate classification (germline): Pathogenic. Review status: criteria provided, multiple submitters, no conflicts (2 of 4 stars). 13 submissions from 12 submitters: Pathogenic (11). 2 of the submissions do not count toward it. Last evaluated 2026-05-27.

Conditions:
Monogenic hearing loss.
Usher syndrome type 2. Also called: Usher Syndrome Type II. Identifiers: Orphanet 231178, MedGen C0339534, MONDO:0016484.
Usher syndrome. Also called: Usher Syndromes; Usher's syndrome. Identifiers: Orphanet 886, MedGen CN469326, MeSH D052245, MONDO:0019501. Disease mechanism: loss of function.
Usher syndrome type 2A. Also called: USHER SYNDROME, TYPE IIA; RETINAL DISEASE IN USHER SYNDROME TYPE IIA, MODIFIER OF. Identifiers: Orphanet 231178, Orphanet 886, MedGen C1848634, MONDO:0010169, OMIM 276901.
Retinitis pigmentosa 39 (RP39). Identifiers: Orphanet 791, MedGen C3151138, MONDO:0013436, OMIM 613809.
USH2A-related disorder. Also called: USH2A-related disorders; USH2A-related condition. Identifiers: MedGen CN239332.

Allele frequency attached by ClinVar (database versions not stated): gnomAD exomes below 0.00001.

Submissions (13):

Genetics Laboratory, Great Ormond Street Hospital NHS Foundation Trust, North Thames Genomic Laboratory Hub
Classification: Pathogenic for Monogenic hearing loss. Last evaluated: 2026-05-27. Review status: criteria provided, single submitter. Criteria: ACGS Best Practice Guidelines for Variant Classification in Rare Disease 2024 v1.2. Collection method: clinical testing. Allele origin: germline. Affected: yes.
Comment: PM2_moderate, PVS1_very-strong, PM3_moderate

PreventionGenetics, part of Exact Sciences
Classification: Pathogenic for USH2A-related condition. Last evaluated: 2026-03-17. Review status: criteria provided, single submitter. Criteria: ACMG Guidelines, 2015. Collection method: clinical testing. Allele origin: germline.
Comment: The USH2A c.236_239dupGTAC variant is predicted to result in a frameshift and premature protein termination (p.Gln81Tyrfs*28). This variant has been reported in multiple individuals with autosomal recessive Usher syndrome (also described as c.239_240insGTAC; Adato et al. 2000. PubMed ID: 10738000; Behar et al. 2013. PubMed ID: 24367894; Khalaileh et al. 2018. PubMed ID: 29490346; Bahena et al. 2021. PubMed ID: 34148116). This variant has not been reported in a large population database, indicating this variant is rare. Frameshift variants in USH2A are expected to be pathogenic. This variant is interpreted as pathogenic.

Natera, Inc.
Classification: Pathogenic for Usher syndrome type 2A. Last evaluated: 2026-01-08. Review status: criteria provided, single submitter. Criteria: Natera Variant Classification Schema (03/2026). Collection method: clinical testing. Allele origin: germline.
Comment: The c.236_239dupGTAC variant in USH2A is a frameshift variant predicted to shift the reading frame beginning at codon 81 and leads to a stop codon 28 codons downstream. This variant is expected to result in nonsense mediated decay, truncation, or a dysfunctional protein product. This variant is rare in the general population with a frequency below the threshold expected for the associated phenotype(s). This variant has been observed in one or more individuals affected with the associated recessive disease, as either homozygous or compound heterozygous with a second variant (PMID: 18452394). Additionally, this variant has been observed to segregate in affected family members (PMID: 18452394). Given the available evidence, this variant is classified as Pathogenic.

Labcorp Genetics (formerly Invitae), Labcorp
Classification: Pathogenic. Last evaluated: 2025-11-20. Review status: criteria provided, single submitter. Criteria: Invitae Variant Classification Sherloc (09022015). Collection method: clinical testing. Allele origin: germline.
Comment: This sequence change creates a premature translational stop signal (p.Gln81Tyrfs*28) in the USH2A gene. It is expected to result in an absent or disrupted protein product. Loss-of-function variants in USH2A are known to be pathogenic (PMID: 10729113, 10909849, 20507924, 25649381). This variant is not present in population databases (gnomAD no frequency). This premature translational stop signal has been observed in individuals with USH2A-related disease (PMID: 10738000, 24367894, 29490346). This variant is also known as 239-242insCGTA. ClinVar contains an entry for this variant (Variation ID: 552849). Algorithms developed to predict the effect of sequence changes on RNA splicing suggest that this variant may create or strengthen a splice site. For these reasons, this variant has been classified as Pathogenic.

GeneDx
Classification: Pathogenic. Last evaluated: 2024-08-23. Review status: criteria provided, single submitter. Criteria: GeneDx Variant Classification Process June 2021. Collection method: clinical testing. Allele origin: germline. Affected: yes.
Comment: Frameshift variant predicted to result in protein truncation or nonsense mediated decay in a gene for which loss of function is a known mechanism of disease; Not observed at significant frequency in large population cohorts (gnomAD); This variant is associated with the following publications: (PMID: 24367894, 34426522, 31589614, 34148116, 34288589, 34839010, 10738000, 29490346, 38219857)

Fulgent Genetics
Classification: Pathogenic for Usher syndrome type 2A; Retinitis pigmentosa 39. Last evaluated: 2024-02-27. Review status: criteria provided, single submitter. Criteria: ACMG Guidelines, 2015. Collection method: clinical testing. Allele origin: germline.

Baylor Genetics
Classification: Pathogenic for Retinitis pigmentosa 39. Last evaluated: 2024-02-01. Review status: criteria provided, single submitter. Criteria: ACMG Guidelines, 2015. Collection method: clinical testing. Allele origin: unknown.

Genome-Nilou Lab
Classification: Pathogenic for Retinitis pigmentosa 39. Last evaluated: 2023-11-04. Review status: criteria provided, single submitter. Criteria: ACMG Guidelines, 2015. Collection method: clinical testing. Allele origin: germline. Affected: no.

Genome-Nilou Lab
Classification: Pathogenic for Usher syndrome type 2A. Last evaluated: 2023-11-04. Review status: criteria provided, single submitter. Criteria: ACMG Guidelines, 2015. Collection method: clinical testing. Allele origin: germline. Affected: no.

Women's Health and Genetics/Laboratory Corporation of America, LabCorp
Classification: Pathogenic for Usher syndrome. Last evaluated: 2022-09-19. Review status: criteria provided, single submitter. Criteria: LabCorp Variant Classification Summary - May 2015. Collection method: clinical testing. Allele origin: germline.
Comment: Variant summary: USH2A c.236_239dupGTAC (p.Gln81TyrfsX28) results in a premature termination codon, predicted to cause a truncation of the encoded protein or absence of the protein due to nonsense mediated decay, which are commonly known mechanisms for disease. Truncations downstream of this position have been classified as pathogenic by our laboratory. The variant was absent in 250878 control chromosomes. c.236_239dupGTAC has been reported in the literature in multiple individuals affected with Usher Syndrome. These data indicate that the variant is very likely to be associated with disease. Four clinical diagnostic laboratories have submitted clinical-significance assessments for this variant to ClinVar after 2014 without evidence for independent evaluation. All laboratories classified the variant as pathogenic. Based on the evidence outlined above, the variant was classified as pathogenic.

Blueprint Genetics
Classification: Pathogenic for USH2A-related disorders. Last evaluated: 2020-12-29. Review status: criteria provided, single submitter. Criteria: ACMG Guidelines, 2015. Collection method: clinical testing. Allele origin: germline. Affected: yes. Observed: 4 variant alleles.

Sharon lab, Hadassah-Hebrew University Medical Center
Classification: Pathogenic for Usher syndrome type 2. Last evaluated: 2019-06-23. Review status: no assertion criteria provided. Collection method: research. Allele origin: inherited. Affected: yes. Not counted in ClinVar's aggregate classification.

Counsyl
Classification: Pathogenic for Usher syndrome type 2A; Retinitis pigmentosa 39. Last evaluated: 2017-07-12. Review status: no assertion criteria provided. Collection method: clinical testing. Allele origin: unknown. Not counted in ClinVar's aggregate classification.

Literature cited by the submitters: PubMed 18452394 (cited by Natera, Inc.); PubMed 10729113 (cited by Labcorp Genetics (formerly Invitae), Labcorp); PubMed 10909849 (cited by Labcorp Genetics (formerly Invitae), Labcorp); PubMed 20507924 (cited by Labcorp Genetics (formerly Invitae), Labcorp); PubMed 25649381 (cited by Labcorp Genetics (formerly Invitae), Labcorp); PubMed 10738000 (cited by Labcorp Genetics (formerly Invitae), Labcorp and Counsyl); PubMed 24367894 (cited by Labcorp Genetics (formerly Invitae), Labcorp); PubMed 29490346 (cited by Labcorp Genetics (formerly Invitae), Labcorp); PubMed 11311042 (cited by Women's Health and Genetics/Laboratory Corporation of America, LabCorp and Counsyl).

NM_206933.4(USH2A):c.236_239dup (p.Gln81fs)

Gene: USH2A (usherin; minus strand). Cytogenetic location: 1q41.
Variant type: Duplication.
Coding change: c.236_239dup on transcript NM_206933.4 (MANE Select); coding-DNA positions 236 to 239, 4 bases duplicated (GTAC; older notation c.236_239dupGTAC).
Protein change: p.Gln81fs; shifts the reading frame from glutamine 81.
Molecular consequence: frameshift variant.
Genome position (GRCh38, 1-based): chr1:216,422,098-216,422,101, GTAC duplicated on the plus strand (GTAC on the coding strand, the reverse complement: USH2A is on the minus strand). VCF-style (leftmost placement, unchanged base first): chr1-216422097-G-GGTAC. GRCh37 (hg19) VCF-style: chr1-216595439-G-GGTAC.
Other names: c.236_239dup, p.Gln81fs (NM_007123.6); c.236_239dupGTAC (NM_206933.2); short protein forms Q81fs.
Identifiers: ClinVar variation 552849 (VCV000552849.22), dbSNP rs1553258097, ClinGen allele CA645372300.
Genomic context (GRCh38, chr1:216,422,097, plus strand): 5'-AAGGGCAGTGTAGGTAGGGTGTGAAGATCTGTATGGGCAATCCTGAATACAAAACCGCTG[G>GGTAC]GTACAGAACTGAATACTTTCAGCAGCAGCAGAGCTGTGACAAAAAGTGCTTCGGTCTGGG-3'